The following is an entry in ClinVar:

NM_006329.4(FBLN5):c.82A>C (p.Thr28Pro)

Gene: FBLN5 (fibulin 5; minus strand). Cytogenetic location: 14q32.12.
Variant type: single nucleotide variant.
Coding change: c.82A>C on transcript NM_006329.4 (MANE Select); coding-DNA position 82, A replaced by C.
Protein change: p.Thr28Pro; replaces threonine 28 with proline.
Molecular consequence: missense variant. On other transcripts: 5 prime UTR variant (2).
Genome position (GRCh38, 1-based): chr14:91,940,607, T>G on the plus strand (A>C on the coding strand, the complement: FBLN5 is on the minus strand). VCF-style: chr14-91940607-T-G. GRCh37 (hg19) VCF-style: chr14-92406951-T-G.
Other names: c.82A>C, p.Thr28Pro (NM_001384158.1, NM_001384160.1); c.133A>C, p.Thr45Pro (NM_001384159.1); c.-188A>C (NM_001384161.1, NM_001384162.1); short protein forms T45P, T28P.
Identifiers: ClinVar variation 3697073 (VCV003697073.2).

ClinVar aggregate classification (germline): Uncertain significance (1 of 4 stars; one submission).

gnomAD v4.1: 3 of 1,614,070 alleles (0.00019%); highest among the groups gnomAD compares: Non-Finnish European, 0.00025%; no homozygotes.

Submission:

Labcorp Genetics (formerly Invitae), Labcorp
Classification: Uncertain significance. Last evaluated: 2025-03-04. Review status: criteria provided, single submitter. Criteria: Invitae Variant Classification Sherloc (09022015). Collection method: clinical testing. Allele origin: germline.
Comment: This sequence change replaces threonine, which is neutral and polar, with proline, which is neutral and non-polar, at codon 28 of the FBLN5 protein (p.Thr28Pro). This variant is not present in population databases (gnomAD no frequency). This variant has not been reported in the literature in individuals affected with FBLN5-related conditions. An algorithm developed to predict the effect of missense changes on protein structure and function (PolyPhen-2) suggests that this variant is likely to be tolerated. In summary, the available evidence is currently insufficient to determine the role of this variant in disease. Therefore, it has been classified as a Variant of Uncertain Significance.